The following is an entry in ClinVar:

ClinVar aggregate classification (germline): Uncertain significance (1 of 4 stars; one submission).

Allele frequency attached by ClinVar (database versions not stated): TOPMed 0.00001; gnomAD 0.00003; gnomAD exomes 0.00006 and 0.00016; 1000 Genomes Project 30x 0.00016; ExAC 0.00017; 1000 Genomes Project 0.00020.

Submission:

Labcorp Genetics (formerly Invitae), Labcorp
Classification: Uncertain significance. Last evaluated: 2026-01-15. Review status: criteria provided, single submitter. Criteria: Invitae Variant Classification Sherloc (09022015). Collection method: clinical testing. Allele origin: germline.
Comment: This sequence change replaces histidine, which is basic and polar, with tyrosine, which is neutral and polar, at codon 1115 of the CDAN1 protein (p.His1115Tyr). This variant is present in population databases (rs531081162, gnomAD 0.1%). This variant has not been reported in the literature in individuals affected with CDAN1-related conditions. ClinVar contains an entry for this variant (Variation ID: 1508243). An algorithm developed to predict the effect of missense changes on protein structure and function outputs the following: PolyPhen-2: "Benign". The tyrosine amino acid residue is found in multiple mammalian species, which suggests that this missense change does not adversely affect protein function. In summary, the available evidence is currently insufficient to determine the role of this variant in disease. Therefore, it has been classified as a Variant of Uncertain Significance.

NM_138477.4(CDAN1):c.3343C>T (p.His1115Tyr)

Gene: CDAN1 (codanin 1; minus strand). Cytogenetic location: 15q15.2.
Variant type: single nucleotide variant.
Coding change: c.3343C>T on transcript NM_138477.4 (MANE Select); coding-DNA position 3343, C replaced by T.
Protein change: p.His1115Tyr; replaces histidine 1115 with tyrosine.
Molecular consequence: missense variant.
Genome position (GRCh38, 1-based): chr15:42,725,596, G>A on the plus strand (C>T on the coding strand, the complement: CDAN1 is on the minus strand). VCF-style: chr15-42725596-G-A. GRCh37 (hg19) VCF-style: chr15-43017794-G-A.
Other names: short protein forms H1115Y.
Identifiers: ClinVar variation 1508243 (VCV001508243.6), dbSNP rs531081162, ClinGen allele CA7515168.